The following is an entry in ClinVar:

ClinVar aggregate classification (germline): Uncertain significance. Review status: criteria provided, multiple submitters, no conflicts (2 of 4 stars). 2 submissions from 2 submitters: Uncertain significance (2). Last evaluated 2025-08-12.

Conditions:
Long QT syndrome (LQTS). Identifiers: MedGen C0023976, MeSH D008133, MONDO:0002442. Disease mechanism: loss of function. Inheritance: Various modes of inheritance.

Allele frequency attached by ClinVar (database versions not stated): gnomAD exomes below 0.00001.
gnomAD v4.1: 3 of 1,600,204 alleles (0.00019%); highest among the groups gnomAD compares: Middle Eastern, 0.017%; no homozygotes.

Submissions (2):

Labcorp Genetics (formerly Invitae), Labcorp
Classification: Uncertain significance for Long QT syndrome. Last evaluated: 2025-08-12. Review status: criteria provided, single submitter. Criteria: Invitae Variant Classification Sherloc (09022015). Collection method: clinical testing. Allele origin: germline.
Comment: This sequence change replaces cysteine, which is neutral and slightly polar, with tyrosine, which is neutral and polar, at codon 2067 of the CACNA1C protein (p.Cys2067Tyr). The frequency data for this variant in the population databases is considered unreliable, as metrics indicate poor data quality at this position in the gnomAD database. This variant has not been reported in the literature in individuals affected with CACNA1C-related conditions. ClinVar contains an entry for this variant (Variation ID: 2973922). Invitae Evidence Modeling of protein sequence and biophysical properties (such as structural, functional, and spatial information, amino acid conservation, physicochemical variation, residue mobility, and thermodynamic stability) has been performed for this missense variant. However, the output from this modeling did not meet the statistical confidence thresholds required to predict the impact of this variant on CACNA1C protein function. In summary, the available evidence is currently insufficient to determine the role of this variant in disease. Therefore, it has been classified as a Variant of Uncertain Significance.

GeneDx
Classification: Uncertain significance. Last evaluated: 2024-07-29. Review status: criteria provided, single submitter. Criteria: GeneDx Variant Classification Process June 2021. Collection method: clinical testing. Allele origin: germline. Affected: yes.
Comment: Reported previously in the heterozygous state in an infant who succumbed to sudden unexpected infant death; further clinical information and segregation not provided (PMID: 38895864); Not observed at significant frequency in large population cohorts (gnomAD); In silico analysis supports that this missense variant has a deleterious effect on protein structure/function; This variant is associated with the following publications: (PMID: 38895864)

NM_000719.7(CACNA1C):c.6200G>A (p.Cys2067Tyr)

Genes: CACNA1C (calcium voltage-gated channel subunit alpha1 C; plus strand), CACNA1C-AS1 (CACNA1C antisense RNA 1; minus strand). Cytogenetic location: 12p13.33.
Variant type: single nucleotide variant.
Coding change: c.6200G>A on transcript NM_000719.7 (MANE Select); coding-DNA position 6200, G replaced by A.
Protein change: p.Cys2067Tyr; replaces cysteine 2067 with tyrosine.
Molecular consequence: missense variant.
Genome position (GRCh38, 1-based): chr12:2,690,982, G>A. VCF-style: chr12-2690982-G-A. GRCh37 (hg19) VCF-style: chr12-2800148-G-A.
Other names: c.6344G>A, p.Cys2115Tyr (NM_001129827.2); c.6323G>A, p.Cys2108Tyr (NM_001129829.2); c.6305G>A, p.Cys2102Tyr (NM_001129830.3, NM_001167624.3); c.6284G>A, p.Cys2095Tyr (NM_001129831.2); c.6260G>A, p.Cys2087Tyr (NM_001129832.2); c.6257G>A, p.Cys2086Tyr (NM_001129833.2, NM_001129834.2, NM_001129835.2); c.6251G>A, p.Cys2084Tyr (NM_001129836.2); c.6224G>A, p.Cys2075Tyr (NM_001129837.2, NM_001129838.2); and 6 more; short protein forms C2087Y, C2150Y, C2067Y, C2075Y, C2084Y, C2108Y, C2127Y, C2064Y.
Identifiers: ClinVar variation 2973922 (VCV002973922.4), dbSNP rs1287518980, ClinGen allele CA383386350.